The following is an entry in ClinVar:

ClinVar aggregate classification (germline): Pathogenic/Likely pathogenic. Review status: criteria provided, multiple submitters, no conflicts (2 of 4 stars). 3 submissions from 3 submitters: Pathogenic (2); Likely pathogenic (1). Last evaluated 2024-09-20.

Conditions:
Intellectual developmental disorder with behavioral abnormalities and craniofacial dysmorphism with or without seizures. Identifiers: MedGen C5231476, MONDO:0032883, OMIM 618725.
Inborn genetic diseases. Identifiers: MedGen C0950123, MeSH D030342.

Allele frequency attached by ClinVar (database versions not stated): 1000 Genomes Project 30x 0.00016.

Submissions (3):

Clinical Genomics Laboratory, Washington University in St. Louis
Classification: Likely pathogenic for Intellectual developmental disorder with behavioral abnormalities and craniofacial dysmorphism with or without seizures. Last evaluated: 2024-09-20. Review status: criteria provided, single submitter. Criteria: ACMG Guidelines, 2015. Collection method: clinical testing. Allele origin: germline. Affected: yes.
Comment: The PHF21A c.1171C>T (p.Arg391*) variant, to our knowledge, has not been reported in the medical literature and is absent from the general population (gnomAD v.2.1.1), indicating it is not a common variant. This variant causes a stop gain, which is predicted to lead to nonsense mediated decay. Based on available information and the ACMG/AMP guidelines for variant interpretation (Richards S et al., PMID: 25741868), this variant is classified as likely pathogenic.

GeneDx
Classification: Pathogenic. Last evaluated: 2024-07-26. Review status: criteria provided, single submitter. Criteria: GeneDx Variant Classification Process June 2021. Collection method: clinical testing. Allele origin: germline. Affected: yes.
Comment: Nonsense variant predicted to result in protein truncation or nonsense mediated decay in a gene for which loss of function is a known mechanism of disease; Not observed at significant frequency in large population cohorts (gnomAD); This variant is associated with the following publications: (PMID: 35982159)

Ambry Genetics
Classification: Pathogenic for Inborn genetic diseases. Last evaluated: 2019-05-08. Review status: criteria provided, single submitter. Criteria: Ambry exome assertion method (8-5-2015). Collection method: clinical testing. Allele origin: germline. Affected: yes. Observed: 1 variant allele.

NM_001352027.3(PHF21A):c.1171C>T (p.Arg391Ter)

Gene: PHF21A (PHD finger protein 21A; minus strand). Cytogenetic location: 11p11.2.
Variant type: single nucleotide variant.
Coding change: c.1171C>T on transcript NM_001352027.3 (MANE Select); coding-DNA position 1171, C replaced by T.
Protein change: p.Arg391Ter; replaces arginine 391 with a stop codon.
Molecular consequence: nonsense. On other transcripts: non-coding transcript variant (2).
Genome position (GRCh38, 1-based): chr11:45,949,458, G>A on the plus strand (C>T on the coding strand, the complement: PHF21A is on the minus strand). VCF-style: chr11-45949458-G-A. GRCh37 (hg19) VCF-style: chr11-45971009-G-A.
Other names: c.1168C>T, p.Arg390Ter (NM_001101802.3, NM_001352030.3, NM_001352031.3 and 1 more transcripts); c.1171C>T, p.Arg391Ter (NM_001352025.3, NM_001352026.3, NM_001352028.1 and 2 more transcripts); c.1171C>T (NM_016621.3); short protein forms R390*, R391*.
Identifiers: ClinVar variation 521226 (VCV000521226.6), dbSNP rs1554988946, ClinGen allele CA380201178.